The following is an entry in ClinVar:

NM_000059.4(BRCA2):c.7393G>T (p.Ala2465Ser)

Gene: BRCA2 (BRCA2 DNA repair associated; plus strand). Cytogenetic location: 13q13.1.
Variant type: single nucleotide variant.
Coding change: c.7393G>T on transcript NM_000059.4 (MANE Select); coding-DNA position 7393, G replaced by T.
Protein change: p.Ala2465Ser; replaces alanine 2465 with serine.
Molecular consequence: missense variant. On other transcripts: non-coding transcript variant (1).
Genome position (GRCh38, 1-based): chr13:32,355,246, G>T. VCF-style: chr13-32355246-G-T. GRCh37 (hg19) VCF-style: chr13-32929383-G-T.
Other names: c.7297G>T, p.Ala2433Ser (NM_001406719.1); c.7393G>T, p.Ala2465Ser (NM_001406720.1, NM_001432077.1); c.2461G>T, p.Ala821Ser (NM_001406721.1); c.976G>T, p.Ala326Ser (NM_001406722.1); short protein forms A2433S, A2465S, A326S, A821S.
Identifiers: ClinVar variation 4802340 (VCV004802340.1).

ClinVar aggregate classification (germline): Uncertain significance (1 of 4 stars; one submission).

Conditions:
Hereditary breast ovarian cancer syndrome. Also called: Hereditary breast and ovarian cancer syndrome (HBOC); Hereditary breast and ovarian cancer; Breast and ovarian cancer; Hereditary breast and/or ovarian cancer syndrome; BRCA1- and BRCA2-Associated Hereditary Breast and Ovarian Cancer; Hereditary breast and ovarian cancer syndrome. Identifiers: Orphanet 145, MedGen C0677776, MeSH D061325, MONDO:0003582. Disease mechanism: loss of function.

Submission:

Labcorp Genetics (formerly Invitae), Labcorp
Classification: Uncertain significance for Hereditary breast ovarian cancer syndrome. Last evaluated: 2025-08-11. Review status: criteria provided, single submitter. Criteria: Invitae Variant Classification Sherloc (09022015). Collection method: clinical testing. Allele origin: germline.
Comment: This sequence change replaces alanine, which is neutral and non-polar, with serine, which is neutral and polar, at codon 2465 of the BRCA2 protein (p.Ala2465Ser). This variant is not present in population databases (gnomAD no frequency). This variant has not been reported in the literature in individuals affected with BRCA2-related conditions. Invitae Evidence Modeling of protein sequence and biophysical properties (such as structural, functional, and spatial information, amino acid conservation, physicochemical variation, residue mobility, and thermodynamic stability) indicates that this missense variant is not expected to disrupt BRCA2 protein function with a negative predictive value of 95%. In summary, the available evidence is currently insufficient to determine the role of this variant in disease. Therefore, it has been classified as a Variant of Uncertain Significance.